The following is an entry in ClinVar:

ClinVar aggregate classification (germline): Uncertain significance. Review status: criteria provided, multiple submitters, no conflicts (2 of 4 stars). 4 submissions from 4 submitters: Uncertain significance (4). Last evaluated 2025-04-15.

Conditions:
Autosomal recessive limb-girdle muscular dystrophy type 2A (LGMDR1). Also called: Calpainopathy; Muscular dystrophy, limb-girdle, type 2A, Amish; LEYDEN-MOEBIUS MUSCULAR DYSTROPHY; MUSCULAR DYSTROPHY, PELVOFEMORAL; Limb-girdle muscular dystrophy, type 2A. Identifiers: Orphanet 267, MedGen C1869123, MONDO:0009675, OMIM 253600. Disease mechanism: loss of function.

Submissions (4):

GeneDx
Classification: Uncertain significance. Last evaluated: 2025-04-15. Review status: criteria provided, single submitter. Criteria: GeneDx Variant Classification Process June 2021. Collection method: clinical testing. Allele origin: germline. Affected: yes.
Comment: Identified with a second CAPN3 variant, phase unknown, in a child with asymptomatic hyperCKemia and calf hypertrophy (PMID: 29970176); Not observed at significant frequency in large population cohorts (gnomAD); In silico analysis supports that this missense variant has a deleterious effect on protein structure/function; This variant is associated with the following publications: (PMID: 29970176)

Women's Health and Genetics/Laboratory Corporation of America, LabCorp
Classification: Uncertain significance. Last evaluated: 2025-03-07. Review status: criteria provided, single submitter. Criteria: LabCorp Variant Classification Summary - May 2015. Collection method: clinical testing. Allele origin: germline.
Comment: Variant summary: CAPN3 c.305C>T (p.Pro102Leu) results in a non-conservative amino acid change in the encoded protein sequence. Five of five in-silico tools predict a damaging effect of the variant on protein function. The variant was absent in 248842 control chromosomes. The available data on variant occurrences in the general population are insufficient to allow any conclusion about variant significance. c.305C>T has been reported in the literature in at least one compound heterozygous individual affected with Limb-Girdle Muscular Dystrophy, Autosomal Recessive (e.g. Fichna_2018). These data do not allow any conclusion about variant significance. To our knowledge, no experimental evidence demonstrating an impact on protein function has been reported. The following publication has been ascertained in the context of this evaluation (PMID: 29970176). ClinVar contains an entry for this variant (Variation ID: 282117). Based on the evidence outlined above, the variant was classified as uncertain significance.

Labcorp Genetics (formerly Invitae), Labcorp
Classification: Uncertain significance for Limb-girdle muscular dystrophy, type 2A. Last evaluated: 2019-08-28. Review status: criteria provided, single submitter. Criteria: Invitae Variant Classification Sherloc (09022015). Collection method: clinical testing. Allele origin: germline.
Comment: This sequence change replaces proline with leucine at codon 102 of the CAPN3 protein (p.Pro102Leu). The proline residue is highly conserved and there is a moderate physicochemical difference between proline and leucine. This variant is not present in population databases (ExAC no frequency). This variant has been reported in combination with a second CAPN3 variant in an individual affected with limb-girdle muscular dystrophy (PMID: 29970176). ClinVar contains an entry for this variant (Variation ID: 282117). Algorithms developed to predict the effect of missense changes on protein structure and function are either unavailable or do not agree on the potential impact of this missense change (SIFT: "Deleterious"; PolyPhen-2: "Probably Damaging"; Align-GVGD: "Class C0"). In summary, the available evidence is currently insufficient to determine the role of this variant in disease. Therefore, it has been classified as a Variant of Uncertain Significance.

Eurofins Ntd Llc (ga)
Classification: Uncertain significance. Last evaluated: 2015-08-04. Review status: criteria provided, single submitter. Criteria: EGL Classification Definitions 2015. Collection method: clinical testing. Allele origin: germline. Observed: 1 variant allele, 1 heterozygote.

Literature cited by the submitters: PubMed 29970176 (cited by Women's Health and Genetics/Laboratory Corporation of America, LabCorp and Labcorp Genetics (formerly Invitae), Labcorp).

NM_000070.3(CAPN3):c.305C>T (p.Pro102Leu)

Gene: CAPN3 (calpain 3; plus strand). Cytogenetic location: 15q15.1.
Variant type: single nucleotide variant.
Coding change: c.305C>T on transcript NM_000070.3 (MANE Select); coding-DNA position 305, C replaced by T.
Protein change: p.Pro102Leu; replaces proline 102 with leucine.
Molecular consequence: missense variant.
Genome position (GRCh38, 1-based): chr15:42,360,110, C>T. VCF-style: chr15-42360110-C-T. GRCh37 (hg19) VCF-style: chr15-42652308-C-T.
Other names: c.305C>T, p.Pro102Leu (NM_024344.2, NM_173087.2); short protein forms P102L.
Identifiers: ClinVar variation 282117 (VCV000282117.9), dbSNP rs886042315, ClinGen allele CA10604073.
Genomic context (GRCh38, chr15:42,360,110, plus strand): 5'-CGGATGAGACCTCTCTCTTTTATAGCCAGAAGTTCCCCATCCAGTTCGTCTGGAAGAGAC[C>T]TCCGGTGAGTAGCTTCCTGCTTGCTGGCTGGGTTTTCCCCCCACGGAGGAGTCCTCTCAC-3'
Protein context (NP_000061.1, residues 92-112): KFPIQFVWKR[Pro102Leu]PEICENPRFI